The following is an entry in ClinVar:

ClinVar aggregate classification (germline): Uncertain significance. Review status: criteria provided, multiple submitters, no conflicts (2 of 4 stars). 2 submissions from 2 submitters: Uncertain significance (2). Last evaluated 2025-09-24.

Conditions:
Inborn genetic diseases. Identifiers: MedGen C0950123, MeSH D030342.
Symmetrical dyschromatosis of extremities (DSH). Also called: Dyschromatosis symmetrica hereditaria; RETICULATE ACROPIGMENTATION OF DOHI; SYMMETRIC DYSCHROMATOSIS OF THE EXTREMITIES; DYSCHROMATOSIS SYMMETRICA HEREDITARIA 1. Identifiers: Orphanet 41, MedGen C0406775, MONDO:0007483, OMIM 127400.
Aicardi-Goutieres syndrome 6 (AGS6). Identifiers: Orphanet 51, MedGen C3539013, MONDO:0014007, OMIM 615010.

Allele frequency attached by ClinVar (database versions not stated): gnomAD 0.00001.

Submissions (2):

Labcorp Genetics (formerly Invitae), Labcorp
Classification: Uncertain significance for Aicardi-Goutieres syndrome 6; Symmetrical dyschromatosis of extremities. Last evaluated: 2025-09-24. Review status: criteria provided, single submitter. Criteria: Invitae Variant Classification Sherloc (09022015). Collection method: clinical testing. Allele origin: germline.
Comment: This sequence change replaces asparagine, which is neutral and polar, with aspartic acid, which is acidic and polar, at codon 439 of the ADAR protein (p.Asn439Asp). This variant is not present in population databases (gnomAD no frequency). This variant has not been reported in the literature in individuals affected with ADAR-related conditions. ClinVar contains an entry for this variant (Variation ID: 1060992). Invitae Evidence Modeling of protein sequence and biophysical properties (such as structural, functional, and spatial information, amino acid conservation, physicochemical variation, residue mobility, and thermodynamic stability) indicates that this missense variant is not expected to disrupt ADAR protein function with a negative predictive value of 80%. In summary, the available evidence is currently insufficient to determine the role of this variant in disease. Therefore, it has been classified as a Variant of Uncertain Significance.

Ambry Genetics
Classification: Uncertain significance for Inborn genetic diseases. Last evaluated: 2024-08-21. Review status: criteria provided, single submitter. Criteria: Ambry Variant Classification Scheme 2023. Collection method: clinical testing. Allele origin: germline.

NM_001111.5(ADAR):c.1315A>G (p.Asn439Asp)

Gene: ADAR (adenosine deaminase RNA specific; minus strand). Cytogenetic location: 1q21.3.
Variant type: single nucleotide variant.
Coding change: c.1315A>G on transcript NM_001111.5 (MANE Select); coding-DNA position 1315, A replaced by G.
Protein change: p.Asn439Asp; replaces asparagine 439 with aspartic acid.
Molecular consequence: missense variant.
Genome position (GRCh38, 1-based): chr1:154,601,327, T>C on the plus strand (A>G on the coding strand, the complement: ADAR is on the minus strand). VCF-style: chr1-154601327-T-C. GRCh37 (hg19) VCF-style: chr1-154573803-T-C.
Other names: c.430A>G, p.Asn144Asp (NM_001025107.3, NM_001193495.2, NM_001365046.1 and 3 more transcripts); c.1342A>G, p.Asn448Asp (NM_001365045.1); c.1315A>G, p.Asn439Asp (NM_015840.4, NM_015841.4); c.1315A>G (NM_001111.4); short protein forms N144D, N439D, N448D.
Identifiers: ClinVar variation 1060992 (VCV001060992.8), dbSNP rs1040011158, ClinGen allele CA30809888.